The following is an entry in ClinVar:

ClinVar aggregate classification (germline): Uncertain significance (1 of 4 stars; one submission).

Submission:

Labcorp Genetics (formerly Invitae), Labcorp
Classification: Uncertain significance. Last evaluated: 2023-09-10. Review status: criteria provided, single submitter. Criteria: Invitae Variant Classification Sherloc (09022015). Collection method: clinical testing. Allele origin: germline.
Comment: An algorithm developed to predict the effect of missense changes on protein structure and function (PolyPhen-2) suggests that this variant is likely to be tolerated. In summary, the available evidence is currently insufficient to determine the role of this variant in disease. Therefore, it has been classified as a Variant of Uncertain Significance. This variant has not been reported in the literature in individuals affected with RNF43-related conditions. This variant is not present in population databases (gnomAD no frequency). This sequence change replaces arginine, which is basic and polar, with leucine, which is neutral and non-polar, at codon 386 of the RNF43 protein (p.Arg386Leu).

NM_017763.6(RNF43):c.1157G>T (p.Arg386Leu)

Gene: RNF43 (ring finger protein 43; minus strand). Cytogenetic location: 17q22.
Variant type: single nucleotide variant.
Coding change: c.1157G>T on transcript NM_017763.6 (MANE Select); coding-DNA position 1157, G replaced by T.
Protein change: p.Arg386Leu; replaces arginine 386 with leucine.
Molecular consequence: missense variant.
Genome position (GRCh38, 1-based): chr17:58,358,619, C>A on the plus strand (G>T on the coding strand, the complement: RNF43 is on the minus strand). VCF-style: chr17-58358619-C-A. GRCh37 (hg19) VCF-style: chr17-56435980-C-A.
Other names: c.1157G>T, p.Arg386Leu (NM_001305544.3); c.776G>T, p.Arg259Leu (NM_001305545.2); short protein forms R386L, R259L.
Identifiers: ClinVar variation 2759500 (VCV002759500.3), dbSNP rs769498996, ClinGen allele CA400331327.